The following is an entry in ClinVar:

NM_007327.4(GRIN1):c.394-22G>A

Gene: GRIN1 (glutamate ionotropic receptor NMDA type subunit 1; plus strand). Cytogenetic location: 9q34.3.
Variant type: single nucleotide variant.
Coding change: c.394-22G>A on transcript NM_007327.4 (MANE Select); 22 bases into the intron before coding-DNA position 394, G replaced by A.
Molecular consequence: intron variant.
Genome position (GRCh38, 1-based): chr9:137,145,704, G>A. VCF-style: chr9-137145704-G-A. GRCh37 (hg19) VCF-style: chr9-140040156-G-A.
Other names: c.394-22G>A (NM_001185090.2, NM_001185091.2, NM_021569.4 and 1 more transcripts).
Identifiers: ClinVar variation 1271952 (VCV001271952.5), dbSNP rs10870196, ClinGen allele CA5360643.

ClinVar aggregate classification (germline): Benign. Review status: criteria provided, multiple submitters, no conflicts (2 of 4 stars). 5 submissions from 4 submitters: Benign (5). Last evaluated 2024-07-15.

Conditions:
Neurodevelopmental disorder with or without hyperkinetic movements and seizures, autosomal dominant. Also called: Intellectual disability, autosomal dominant 8. Identifiers: MedGen C3280282, MONDO:0013655, OMIM 614254.
Neurodevelopmental disorder with or without hyperkinetic movements and seizures, autosomal recessive. Identifiers: MedGen C4693325, MONDO:0060629, OMIM 617820.

Allele frequency attached by ClinVar (database versions not stated): gnomAD exomes 0.93879 and 0.94688; ExAC 0.94684; 1000 Genomes Project 30x 0.94753; ESP Exome Variant Server 0.94755; 1000 Genomes Project 0.94848; TOPMed 0.95225; gnomAD 0.95289 and 0.95430.
gnomAD v4.1: 1,509,947 of 1,606,662 alleles (94%); highest among the groups gnomAD compares: African/African-American, 98%; 709,904 homozygotes.

Submissions (5):

Unidad de Genómica Garrahan, Hospital de Pediatría Garrahan
Classification: Benign. Last evaluated: 2024-07-15. Review status: criteria provided, single submitter. Criteria: ACMG Guidelines, 2015. Collection method: clinical testing. Allele origin: germline. Affected: no. Observed: 90 variant alleles.
Comment: This variant is classified as Benign based on local population frequency. This variant was detected in 97% of patients studied in a panel designed for Epileptic and Developmental Encephalopathy and Progressive Myoclonus Epilepsy. Number of patients: 90. Only high quality variants are reported.

Genome-Nilou Lab
Classification: Benign for Neurodevelopmental disorder with or without hyperkinetic movements and seizures, autosomal dominant. Last evaluated: 2021-08-10. Review status: criteria provided, single submitter. Criteria: ACMG Guidelines, 2015. Collection method: clinical testing. Allele origin: germline. Affected: no.

Genome-Nilou Lab
Classification: Benign for Neurodevelopmental disorder with or without hyperkinetic movements and seizures, autosomal recessive. Last evaluated: 2021-08-10. Review status: criteria provided, single submitter. Criteria: ACMG Guidelines, 2015. Collection method: clinical testing. Allele origin: germline. Affected: no.

GeneDx
Classification: Benign. Last evaluated: 2018-06-25. Review status: criteria provided, single submitter. Criteria: GeneDx Variant Classification Process June 2021. Collection method: clinical testing. Allele origin: germline. Affected: yes.

Breakthrough Genomics
Classification: Benign. Review status: criteria provided, single submitter. Criteria: ACMG Guidelines, 2015. Collection method: not provided. Allele origin: germline. Inheritance: Autosomal recessive inheritance. Affected: yes.